The following is an entry in ClinVar:

ClinVar aggregate classification (germline): Conflicting classifications of pathogenicity. Review status: criteria provided, conflicting classifications (1 of 4 stars). 3 submissions from 3 submitters: Uncertain significance (2); Likely benign (1). Last evaluated 2025-09-01.

Conditions:
FLNB-related disorder. Also called: FLNB-related disorders; FLNB-related condition. Identifiers: MedGen CN381095.
Inborn genetic diseases. Identifiers: MedGen C0950123, MeSH D030342.

Allele frequency attached by ClinVar (database versions not stated): ExAC 0.00002; TOPMed 0.00002; gnomAD exomes 0.00003; ESP Exome Variant Server 0.00015.
gnomAD v4.1: 24 of 1,613,950 alleles (0.0015%); highest among the groups gnomAD compares: Non-Finnish European, 0.0019%; no homozygotes.

Submissions (3):

Labcorp Genetics (formerly Invitae), Labcorp
Classification: Likely benign. Last evaluated: 2025-09-01. Review status: criteria provided, single submitter. Criteria: Invitae Variant Classification Sherloc (09022015). Collection method: clinical testing. Allele origin: germline.

PreventionGenetics, part of Exact Sciences
Classification: Uncertain significance for FLNB-related condition. Last evaluated: 2025-04-29. Review status: criteria provided, single submitter. Criteria: ACMG Guidelines, 2015. Collection method: clinical testing. Allele origin: germline.
Comment: The FLNB c.5410G>C variant is predicted to result in the amino acid substitution p.Gly1804Arg. To our knowledge, this variant has not been reported in the literature. This variant is reported in 0.0046% of alleles in individuals of European (Non-Finnish) descent in gnomAD. A different missense substitution affecting the same residue (p.Gly1804Val) was reported de novo in a fetus with skeletal dysplasia (Marouane et al. 2023. PubMed ID: 38259611). At this time, the clinical significance of the c.5410G>C (p.Gly1804Arg) variant is uncertain due to the absence of conclusive functional and genetic evidence.

Ambry Genetics
Classification: Uncertain significance for Inborn genetic diseases. Last evaluated: 2021-09-15. Review status: criteria provided, single submitter. Criteria: Ambry Variant Classification Scheme 2023. Collection method: clinical testing. Allele origin: germline.

NM_001457.4(FLNB):c.5410G>C (p.Gly1804Arg)

Gene: FLNB (filamin B; plus strand). Cytogenetic location: 3p14.3.
Variant type: single nucleotide variant.
Coding change: c.5410G>C on transcript NM_001457.4 (MANE Select); coding-DNA position 5410, G replaced by C.
Protein change: p.Gly1804Arg; replaces glycine 1804 with arginine.
Molecular consequence: missense variant.
Genome position (GRCh38, 1-based): chr3:58,143,598, G>C. VCF-style: chr3-58143598-G-C. GRCh37 (hg19) VCF-style: chr3-58129325-G-C.
Other names: c.5410G>C (NM_001457.3); c.5503G>C, p.Gly1835Arg (NM_001164317.2); c.5377G>C, p.Gly1793Arg (NM_001164318.2); c.5338G>C, p.Gly1780Arg (NM_001164319.2); short protein forms G1780R, G1793R, G1835R, G1804R.
Identifiers: ClinVar variation 1426444 (VCV001426444.10), dbSNP rs142786097, ClinGen allele CA2469047.